The following is an entry in ClinVar:

NM_000341.4(SLC3A1):c.1431_1434dup (p.Tyr479fs)

Gene: SLC3A1 (solute carrier family 3 member 1; plus strand). Cytogenetic location: 2p21.
Variant type: Duplication.
Coding change: c.1431_1434dup on transcript NM_000341.4 (MANE Select); coding-DNA positions 1431 to 1434, 4 bases duplicated (AACT; older notation c.1431_1434dupAACT).
Protein change: p.Tyr479fs; shifts the reading frame from tyrosine 479.
Molecular consequence: frameshift variant.
Genome position (GRCh38, 1-based): chr2:44,312,684-44,312,687, AACT duplicated; duplicating any 4 consecutive bases within chr2:44,312,683-44,312,687 gives the same sequence; the c. name uses the placement nearest the transcript's 3' end. VCF-style (leftmost placement, unchanged base first): chr2-44312682-A-ATAAC. GRCh37 (hg19) VCF-style: chr2-44539821-A-ATAAC.
Other names: c.1431_1434dupAACT (NM_000341.4); short protein forms Y479fs.
Identifiers: ClinVar variation 2581131 (VCV002581131.1), dbSNP rs2465972753, ClinGen allele CA2582342368.

ClinVar aggregate classification (germline): Pathogenic (0 of 4 stars; one submission).

Conditions:
Cystinuria (CSNU). Also called: CYSTINURIA, TYPE I; CYSTINURIA, TYPE II; CYSTINURIA, TYPE III; Cystinuria, non-type I. Identifiers: Orphanet 214, MedGen C0010691, MONDO:0009067, OMIM 220100, HP:0003131.

Submission:

Clinical Genetics, Synlab MVZ Humangenetik Freiburg
Classification: Pathogenic for Cystinuria. Last evaluated: 2023-06-22. Review status: no assertion criteria provided. Collection method: clinical testing. Allele origin: germline. Inheritance: Autosomal recessive inheritance. Affected: yes.
Comment: The SLC3A1 variant c.1431_1434dupAACT, p.(Tyr479Asnfs*19), has not yet been described, but it is known that "loss-of-function" is a known pathomechanism in the SLC3A1 gene, e.g., c.1754_1755delAG, p.(Glu585Alafs*24) (Gaildrat et al. 2017 and HGMD Professional 2023.1, among others). The variant is not listed in control databases (dbSNP, gnomAD v2.1.1). It is a reading frame mutation that leads to premature translational arrest and thus either loss of function of the affected allele due to premature degradation of the mutant mRNA or to a truncated protein with reduced or aberrant function. We classify the SLC3A1 variant c.1431_1434dupAACT, p.(Tyr479Asnfs*19), as pathogenic.